The following is an entry in ClinVar:

ClinVar aggregate classification (germline): Uncertain significance (0 of 4 stars; one submission).

Conditions:
CREBBP-related disorder. Also called: CREBBP-related condition; CREBBP-related disorders.

Submission:

PreventionGenetics, part of Exact Sciences
Classification: Uncertain significance for CREBBP-related condition. Last evaluated: 2024-05-10. Review status: no assertion criteria provided. Collection method: clinical testing. Allele origin: germline.
Comment: The CREBBP c.4701_4718dup18 variant is predicted to result in an in-frame duplication (p.Ser1568_Glu1573dup). To our knowledge, this variant has not been reported in the literature or in a large population database, indicating this variant is rare. At this time, the clinical significance of this variant is uncertain due to the absence of conclusive functional and genetic evidence.

NM_004380.3(CREBBP):c.4701_4718dup (p.Glu1573_Thr1574insSerThrAlaAlaSerGlu)

Gene: CREBBP (CREB binding lysine acetyltransferase; minus strand). Cytogenetic location: 16p13.3.
Variant type: Duplication.
Coding change: c.4701_4718dup on transcript NM_004380.3 (MANE Select); coding-DNA positions 4701 to 4718, 18 bases duplicated (GAGCACTGCAGCCAGTGA).
Protein change: p.Glu1573_Thr1574insSerThrAlaAlaSerGlu.
Molecular consequence: inframe insertion.
Genome position (GRCh38, 1-based): chr16:3,736,046-3,736,063, TCACTGGCTGCAGTGCTC duplicated on the plus strand (GAGCACTGCAGCCAGTGA on the coding strand, the reverse complement: CREBBP is on the minus strand); duplicating any 18 consecutive bases within chr16:3,736,046-3,736,065 gives the same sequence; the c. name uses the placement nearest the transcript's 3' end. VCF-style (leftmost placement, unchanged base first): chr16-3736045-T-TTCACTGGCTGCAGTGCTC. GRCh37 (hg19) VCF-style: chr16-3786046-T-TTCACTGGCTGCAGTGCTC.
Other names: c.4587_4604dup, p.Glu1535_Thr1536insSerThrAlaAlaSerGlu (NM_001079846.1).
Identifiers: ClinVar variation 3344088 (VCV003344088.1).